The following is an entry in ClinVar:

NM_012208.4(HARS2):c.74_100del (p.Ala25_Gln34delinsGlu)

Genes: HARS2 (histidyl-tRNA synthetase 2, mitochondrial; plus strand), LOC119407423 (HARS1 and HARS2 bidirectional promoter region; plus strand). Cytogenetic location: 5q31.3.
Variant type: Deletion.
Coding change: c.74_100del on transcript NM_012208.4 (MANE Select); coding-DNA positions 74 to 100, 27 bases deleted (CTTCGTGCACCGGGGCGGTCCGTTGCC).
Protein change: p.Ala25_Gln34delinsGlu.
Molecular consequence: inframe indel. On other transcripts: 5 prime UTR variant (1), intron variant (1).
Genome position (GRCh38, 1-based): chr5:140,691,722-140,691,748, CTTCGTGCACCGGGGCGGTCCGTTGCC deleted. VCF-style (leftmost placement, unchanged base first): chr5-140691721-GCTTCGTGCACCGGGGCGGTCCGTTGCC-G. GRCh37 (hg19) VCF-style: chr5-140071306-GCTTCGTGCACCGGGGCGGTCCGTTGCC-G.
Other names: c.74_100del, p.Ala25_Gln34delinsGlu (NM_001278731.2, NM_001363535.2); c.-237_-211del (NM_001278732.2); c.-325-73_-325-47del (NM_001363536.2).
Identifiers: ClinVar variation 2153560 (VCV002153560.1), dbSNP rs1458185936, ClinGen allele CA563330091.
Genomic context (GRCh38, chr5:140,691,721, plus strand): 5'-GGACTTCTTCCCAGGAGGGCCTGGGCTTCGCTGCTCAGCCAGCTCCTGCGACCGCCCTGC[GCTTCGTGCACCGGGGCGGTCCGTTGCC>G]AAAGCCAGGTGAGCGAGACAGAATTATCTCTGGTCTGTCCCAGCAGGGTCTCCAGATCTG-3'

ClinVar aggregate classification (germline): Uncertain significance (1 of 4 stars; one submission).

Allele frequency attached by ClinVar (database versions not stated): gnomAD exomes 0.00001; gnomAD 0.00002; TOPMed 0.00002.

Submission:

Labcorp Genetics (formerly Invitae), Labcorp
Classification: Uncertain significance. Last evaluated: 2022-09-15. Review status: criteria provided, single submitter. Criteria: Invitae Variant Classification Sherloc (09022015). Collection method: clinical testing. Allele origin: germline.
Comment: This variant, c.74_100del, is a complex sequence change that results in the deletion of 10 and insertion of 1 amino acid(s) in the HARS2 protein (p.Ala25_Gln34delinsGlu). This variant is present in population databases (no rsID available, gnomAD 0.007%). This variant has not been reported in the literature in individuals affected with HARS2-related conditions. Experimental studies and prediction algorithms are not available or were not evaluated, and the functional significance of this variant is currently unknown. In summary, the available evidence is currently insufficient to determine the role of this variant in disease. Therefore, it has been classified as a Variant of Uncertain Significance.